The following is an entry in ClinVar:

ClinVar aggregate classification (germline): Pathogenic. Review status: criteria provided, multiple submitters, no conflicts (2 of 4 stars). 4 submissions from 4 submitters: Pathogenic (3). 1 of the submissions does not count toward it. Last evaluated 2026-03-09.

Conditions:
Familial adenomatous polyposis 1 (FAP1). Also called: FAMILIAL ADENOMATOUS POLYPOSIS 1, ATTENUATED; POLYPOSIS, ADENOMATOUS INTESTINAL. Identifiers: MedGen C2713442, MONDO:0021056, OMIM 175100. Disease mechanism: loss of function.
Hereditary cancer-predisposing syndrome. Also called: Neoplastic Syndromes, Hereditary; Tumor predisposition; Hereditary neoplastic syndrome; Hereditary Cancer Syndrome. Identifiers: Orphanet 140162, MedGen C0027672, MeSH D009386, MONDO:0015356.

Submissions (4):

Ambry Genetics
Classification: Pathogenic for Hereditary cancer-predisposing syndrome. Last evaluated: 2026-03-09. Review status: criteria provided, single submitter. Criteria: Ambry Variant Classification Scheme 2023. Collection method: clinical testing. Allele origin: germline.
Comment: The p.Q1256* pathogenic mutation (also known as c.3766C>T), located in coding exon 15 of the APC gene, results from a C to T substitution at nucleotide position 3766. This changes the amino acid from a glutamine to a stop codon within coding exon 15. This variant occurs at the 3' terminus of the gene, is not expected to trigger nonsense-mediated mRNA decay, and impacts the last 55% of the protein. However, premature stop codons are typically deleterious in nature and a significant portion of the protein is affected (Ambry internal data). This variant was reported in individuals with features consistent with APC-related familial adenomatous polyposis (Danieli PP et al. Am J Med Genet B Neuropsychiatr Genet, 2024 Dec;195:e32999; Won YJ et al. J Hum Genet, 1999;44:103-8; Ambry internal data). This variant is considered to be rare based on population cohorts in the Genome Aggregation Database (gnomAD). Based on the supporting evidence, this variant is interpreted as a disease-causing mutation.

Labcorp Genetics (formerly Invitae), Labcorp
Classification: Pathogenic for Familial adenomatous polyposis 1. Last evaluated: 2023-09-10. Review status: criteria provided, single submitter. Criteria: Invitae Variant Classification Sherloc (09022015). Collection method: clinical testing. Allele origin: germline.
Comment: For these reasons, this variant has been classified as Pathogenic. A different truncation (p.Tyr2645Lysfs*14) that lies downstream of this variant has been determined to be pathogenic (PMID: 9824584, 1316610, 27081525, 8381579, 22135120, Invitae). This suggests that deletion of this region of the APC protein is causative of disease. This variant is expected to disrupt the EB1 and HDLG binding sites, which mediate interactions with the cytoskeleton (PMID: 15311282, 17293347). While functional studies have not been performed to directly test the effect on APC protein function, this suggests that disruption of the C-terminal portion of the protein is functionally important. ClinVar contains an entry for this variant (Variation ID: 433653). This variant is also known as p.Gln1096X and p.Gln1228*. This premature translational stop signal has been observed in individuals with familial adenomatous polyposis (PMID: 10083733, 19331226, 26446593). This variant is not present in population databases (gnomAD no frequency). This sequence change creates a premature translational stop signal (p.Gln1256*) in the APC gene. While this is not anticipated to result in nonsense mediated decay, it is expected to disrupt the last 1588 amino acid(s) of the APC protein.

Human Genome Sequencing Center Clinical Lab, Baylor College of Medicine
Classification: Pathogenic for Familial adenomatous polyposis 1. Last evaluated: 2018-09-27. Review status: criteria provided, single submitter. Criteria: ACMG Guidelines, 2015. Collection method: clinical testing. Allele origin: germline.
Comment: This c.3766C>T (p.Gln1256*) variant in the APC gene is predicted to introduce a premature translational termination codon. This variant has never been reported in the general population. This variant has been reported in a patient with familial adenomatous polyposis (PMID 10083733) and was also seen in patients in the internal database. Therefore, this c.3766C>T (p.Gln1256*) variant in the APC gene is classified as pathogenic.

Department of Pathology and Laboratory Medicine, Sinai Health System
Classification: Uncertain significance. Review status: no assertion criteria provided. Collection method: clinical testing. Allele origin: unknown. Affected: yes. Observed: 2 variant alleles. Study: The Canadian Open Genetics Repository (COGR). Not counted in ClinVar's aggregate classification.

Literature cited by the submitters: PubMed 10083733 (cited by Ambry Genetics and Labcorp Genetics (formerly Invitae), Labcorp); PubMed 38967411 (cited by Ambry Genetics); PubMed 9824584 (cited by Labcorp Genetics (formerly Invitae), Labcorp); PubMed 1316610 (cited by Labcorp Genetics (formerly Invitae), Labcorp); PubMed 27081525 (cited by Labcorp Genetics (formerly Invitae), Labcorp); PubMed 8381579 (cited by Labcorp Genetics (formerly Invitae), Labcorp); PubMed 22135120 (cited by Labcorp Genetics (formerly Invitae), Labcorp); PubMed 15311282 (cited by Labcorp Genetics (formerly Invitae), Labcorp); PubMed 17293347 (cited by Labcorp Genetics (formerly Invitae), Labcorp); PubMed 19331226 (cited by Labcorp Genetics (formerly Invitae), Labcorp); PubMed 26446593 (cited by Labcorp Genetics (formerly Invitae), Labcorp).

NM_000038.6(APC):c.3766C>T (p.Gln1256Ter)

Gene: APC (APC regulator of Wnt signaling pathway; plus strand). Cytogenetic location: 5q22.2.
Variant type: single nucleotide variant.
Coding change: c.3766C>T on transcript NM_000038.6 (MANE Select); coding-DNA position 3766, C replaced by T.
Protein change: p.Gln1256Ter; replaces glutamine 1256 with a stop codon.
Molecular consequence: nonsense.
Genome position (GRCh38, 1-based): chr5:112,839,360, C>T. VCF-style: chr5-112839360-C-T. GRCh37 (hg19) VCF-style: chr5-112175057-C-T.
Other names: c.3766C>T, p.Gln1256Ter (NM_001127510.3, NM_001354895.2); c.3712C>T, p.Gln1238Ter (NM_001127511.3); c.3820C>T, p.Gln1274Ter (NM_001354896.2); c.3796C>T, p.Gln1266Ter (NM_001354897.2); c.3691C>T, p.Gln1231Ter (NM_001354898.2); c.3682C>T, p.Gln1228Ter (NM_001354899.2); c.3643C>T, p.Gln1215Ter (NM_001354900.2); c.3589C>T, p.Gln1197Ter (NM_001354901.2); and 5 more; short protein forms Q1238*, Q1256*, Q1228*, Q1266*, Q1096*, Q1155*, Q1165*, Q1215*.
Identifiers: ClinVar variation 433653 (VCV000433653.7), dbSNP rs77056664, ClinGen allele CA16029592.